The following is an entry in ClinVar:

NM_030957.4(ADAMTS10):c.1499G>A (p.Trp500Ter)

Gene: ADAMTS10 (ADAM metallopeptidase with thrombospondin type 1 motif 10; minus strand). Cytogenetic location: 19p13.2.
Variant type: single nucleotide variant.
Coding change: c.1499G>A on transcript NM_030957.4 (MANE Select); coding-DNA position 1499, G replaced by A.
Protein change: p.Trp500Ter; replaces tryptophan 500 with a stop codon.
Molecular consequence: nonsense.
Genome position (GRCh38, 1-based): chr19:8,592,851, C>T on the plus strand (G>A on the coding strand, the complement: ADAMTS10 is on the minus strand). VCF-style: chr19-8592851-C-T. GRCh37 (hg19) VCF-style: chr19-8657735-C-T.
Other names: short protein forms W500*.
Identifiers: ClinVar variation 1455640 (VCV001455640.6), dbSNP rs2146071112, ClinGen allele CA403754567.

ClinVar aggregate classification (germline): Pathogenic (1 of 4 stars; one submission).

Submission:

Labcorp Genetics (formerly Invitae), Labcorp
Classification: Pathogenic. Last evaluated: 2021-08-31. Review status: criteria provided, single submitter. Criteria: Invitae Variant Classification Sherloc (09022015). Collection method: clinical testing. Allele origin: germline.
Comment: For these reasons, this variant has been classified as Pathogenic. This variant has not been reported in the literature in individuals affected with ADAMTS10-related conditions. This variant is not present in population databases (ExAC no frequency). This sequence change creates a premature translational stop signal (p.Trp500*) in the ADAMTS10 gene. It is expected to result in an absent or disrupted protein product. Loss-of-function variants in ADAMTS10 are known to be pathogenic (PMID: 15368195, 18567016).

Literature cited by the submitters: PubMed 15368195; PubMed 18567016.